The following is an entry in ClinVar:

NM_004304.5(ALK):c.1202G>A (p.Arg401Gln)

Gene: ALK (ALK receptor tyrosine kinase; minus strand). Cytogenetic location: 2p23.2.
Variant type: single nucleotide variant.
Coding change: c.1202G>A on transcript NM_004304.5 (MANE Select); coding-DNA position 1202, G replaced by A.
Protein change: p.Arg401Gln; replaces arginine 401 with glutamine.
Molecular consequence: missense variant.
Genome position (GRCh38, 1-based): chr2:29,383,812, C>T on the plus strand (G>A on the coding strand, the complement: ALK is on the minus strand). VCF-style: chr2-29383812-C-T. GRCh37 (hg19) VCF-style: chr2-29606678-C-T.
Other names: short protein forms R401Q.
Identifiers: ClinVar variation 663434 (VCV000663434.13), dbSNP rs188859061, ClinGen allele CA1594721.

ClinVar aggregate classification (germline): Uncertain significance. Review status: criteria provided, multiple submitters, no conflicts (2 of 4 stars). 3 submissions from 3 submitters: Uncertain significance (3). Last evaluated 2025-12-15.

Conditions:
Hereditary cancer-predisposing syndrome. Also called: Neoplastic Syndromes, Hereditary; Hereditary neoplastic syndrome; Tumor predisposition; Hereditary Cancer Syndrome. Identifiers: Orphanet 140162, MedGen C0027672, MeSH D009386, MONDO:0015356.
Neuroblastoma, susceptibility to, 3. Also called: ALK-Related Neuroblastic Tumor Susceptibility. Identifiers: Orphanet 635, MedGen C2751681, MONDO:0013083, OMIM 613014.

Allele frequency attached by ClinVar (database versions not stated): ExAC 0.00001; gnomAD exomes 0.00001; TOPMed 0.00001; gnomAD 0.00004 and 0.00005; 1000 Genomes Project 30x 0.00016; 1000 Genomes Project 0.00020.
gnomAD v4.1: 16 of 1,614,124 alleles (0.00099%); highest among the groups gnomAD compares: African/African-American, 0.0093%; no homozygotes.

Submissions (3):

Labcorp Genetics (formerly Invitae), Labcorp
Classification: Uncertain significance for Neuroblastoma, susceptibility to, 3. Last evaluated: 2025-12-15. Review status: criteria provided, single submitter. Criteria: Invitae Variant Classification Sherloc (09022015). Collection method: clinical testing. Allele origin: germline.
Comment: This sequence change replaces arginine, which is basic and polar, with glutamine, which is neutral and polar, at codon 401 of the ALK protein (p.Arg401Gln). This variant is present in population databases (rs188859061, gnomAD 0.007%). This variant has not been reported in the literature in individuals affected with ALK-related conditions. ClinVar contains an entry for this variant (Variation ID: 663434). An algorithm developed to predict the effect of missense changes on protein structure and function (PolyPhen-2) suggests that this variant is likely to be disruptive. In summary, the available evidence is currently insufficient to determine the role of this variant in disease. Therefore, it has been classified as a Variant of Uncertain Significance.

Ambry Genetics
Classification: Uncertain significance for Hereditary cancer-predisposing syndrome. Last evaluated: 2025-01-20. Review status: criteria provided, single submitter. Criteria: Ambry Variant Classification Scheme 2023. Collection method: clinical testing. Allele origin: germline.
Comment: The p.R401Q variant (also known as c.1202G>A), located in coding exon 5 of the ALK gene, results from a G to A substitution at nucleotide position 1202. The arginine at codon 401 is replaced by glutamine, an amino acid with highly similar properties. This amino acid position is highly conserved in available vertebrate species. In addition, the in silico prediction for this alteration is inconclusive. Based on the available evidence, the clinical significance of this variant remains unclear.

Baylor Genetics
Classification: Uncertain significance for Neuroblastoma, susceptibility to, 3. Last evaluated: 2023-07-07. Review status: criteria provided, single submitter. Criteria: ACMG Guidelines, 2015. Collection method: clinical testing. Allele origin: unknown.